The following is an entry in ClinVar:

NM_004995.4(MMP14):c.1204C>T (p.His402Tyr)

Gene: MMP14 (matrix metallopeptidase 14; plus strand). Cytogenetic location: 14q11.2.
Variant type: single nucleotide variant.
Coding change: c.1204C>T on transcript NM_004995.4 (MANE Select); coding-DNA position 1204, C replaced by T.
Protein change: p.His402Tyr; replaces histidine 402 with tyrosine.
Molecular consequence: missense variant.
Genome position (GRCh38, 1-based): chr14:22,844,683, C>T. VCF-style: chr14-22844683-C-T. GRCh37 (hg19) VCF-style: chr14-23313892-C-T.
Other names: short protein forms H402Y.
Identifiers: ClinVar variation 3612003 (VCV003612003.2).

ClinVar aggregate classification (germline): Uncertain significance (1 of 4 stars; one submission).

gnomAD v4.1: 6 of 1,613,960 alleles (0.00037%); highest among the groups gnomAD compares: Admixed American, 0.01%; no homozygotes.

Submission:

Labcorp Genetics (formerly Invitae), Labcorp
Classification: Uncertain significance. Last evaluated: 2025-03-17. Review status: criteria provided, single submitter. Criteria: Invitae Variant Classification Sherloc (09022015). Collection method: clinical testing. Allele origin: germline.
Comment: This sequence change replaces histidine, which is basic and polar, with tyrosine, which is neutral and polar, at codon 402 of the MMP14 protein (p.His402Tyr). This variant is present in population databases (rs761145231, gnomAD 0.01%). This variant has not been reported in the literature in individuals affected with MMP14-related conditions. Invitae Evidence Modeling of protein sequence and biophysical properties (such as structural, functional, and spatial information, amino acid conservation, physicochemical variation, residue mobility, and thermodynamic stability) indicates that this missense variant is not expected to disrupt MMP14 protein function with a negative predictive value of 80%. In summary, the available evidence is currently insufficient to determine the role of this variant in disease. Therefore, it has been classified as a Variant of Uncertain Significance.